The following is an entry in ClinVar:

ClinVar aggregate classification (germline): Uncertain significance. Review status: criteria provided, multiple submitters, no conflicts (2 of 4 stars). 5 submissions from 5 submitters: Uncertain significance (5). Last evaluated 2025-12-16.

Conditions:
Inborn genetic diseases. Identifiers: MedGen C0950123, MeSH D030342.
Severe combined immunodeficiency due to CORO1A deficiency. Also called: Immunodeficiency 8; IMMUNODEFICIENCY 8 WITH LYMPHOPROLIFERATION. Identifiers: Orphanet 228003, MedGen C3809383, MONDO:0014168, OMIM 615401.

Allele frequency attached by ClinVar (database versions not stated): TOPMed 0.00003; ExAC 0.00004; gnomAD 0.00004 and 0.00005; gnomAD exomes 0.00005.
gnomAD v4.1: 85 of 1,611,898 alleles (0.0053%); highest among the groups gnomAD compares: Middle Eastern, 0.26%; 1 homozygote.

Submissions (5):

Ambry Genetics
Classification: Uncertain significance for Inborn genetic diseases. Last evaluated: 2025-12-16. Review status: criteria provided, single submitter. Criteria: Ambry Variant Classification Scheme 2023. Collection method: clinical testing. Allele origin: germline.

Blueprint Genetics
Classification: Uncertain significance. Last evaluated: 2024-01-15. Review status: criteria provided, single submitter. Criteria: ACMG Guidelines, 2015. Collection method: clinical testing. Allele origin: germline.

Labcorp Genetics (formerly Invitae), Labcorp
Classification: Uncertain significance for Severe combined immunodeficiency due to CORO1A deficiency. Last evaluated: 2024-01-08. Review status: criteria provided, single submitter. Criteria: Invitae Variant Classification Sherloc (09022015). Collection method: clinical testing. Allele origin: germline.
Comment: This sequence change replaces glycine, which is neutral and non-polar, with arginine, which is basic and polar, at codon 413 of the CORO1A protein (p.Gly413Arg). This variant is present in population databases (rs751313483, gnomAD 0.007%). This variant has not been reported in the literature in individuals affected with CORO1A-related conditions. ClinVar contains an entry for this variant (Variation ID: 953260). Advanced modeling of protein sequence and biophysical properties (such as structural, functional, and spatial information, amino acid conservation, physicochemical variation, residue mobility, and thermodynamic stability) performed at Invitae indicates that this missense variant is not expected to disrupt CORO1A protein function with a negative predictive value of 80%. In summary, the available evidence is currently insufficient to determine the role of this variant in disease. Therefore, it has been classified as a Variant of Uncertain Significance.

Women's Health and Genetics/Laboratory Corporation of America, LabCorp
Classification: Uncertain significance. Last evaluated: 2023-11-13. Review status: criteria provided, single submitter. Criteria: LabCorp Variant Classification Summary - May 2015. Collection method: clinical testing. Allele origin: germline.
Comment: Variant summary: CORO1A c.1237G>A (p.Gly413Arg) results in a non-conservative amino acid change located in the Trimerisation motif (IPR015049) of the encoded protein sequence. Four of five in-silico tools predict a benign effect of the variant on protein function. The variant allele was found at a frequency of 4.5e-05 in 243088 control chromosomes (gnomAD). This frequency is not significantly higher than estimated for a pathogenic variant in CORO1A causing Severe Combined Immunodeficiency (4.5e-05 vs 0.00035), allowing no conclusion about variant significance. To our knowledge, no occurrence of c.1237G>A in individuals affected with Severe Combined Immunodeficiency and no experimental evidence demonstrating its impact on protein function have been reported. Three submitters have cited clinical-significance assessments for this variant to ClinVar after 2014. All submitters classified the variant as uncertain significance. Based on the evidence outlined above, the variant was classified as uncertain significance.

Revvity Omics, Revvity
Classification: Uncertain significance for Severe combined immunodeficiency due to CORO1A deficiency. Last evaluated: 2021-06-11. Review status: criteria provided, single submitter. Criteria: ACMG Guidelines, 2015. Collection method: clinical testing. Allele origin: germline.

NM_007074.4(CORO1A):c.1237G>A (p.Gly413Arg)

Gene: CORO1A (coronin 1A; plus strand). Cytogenetic location: 16p11.2.
Variant type: single nucleotide variant.
Coding change: c.1237G>A on transcript NM_007074.4 (MANE Select); coding-DNA position 1237, G replaced by A.
Protein change: p.Gly413Arg; replaces glycine 413 with arginine.
Molecular consequence: missense variant.
Genome position (GRCh38, 1-based): chr16:30,188,532, G>A. VCF-style: chr16-30188532-G-A. GRCh37 (hg19) VCF-style: chr16-30199853-G-A.
Other names: c.1237G>A, p.Gly413Arg (NM_001193333.3); short protein forms G413R.
Identifiers: ClinVar variation 953260 (VCV000953260.13), dbSNP rs751313483, ClinGen allele CA8003433.
Genomic context (GRCh38, chr16:30,188,532, plus strand): 5'-AAGGATGGCTACGTACCCCCAAAGAGCCGGGAGCTGAGGGTCAACCGGGGCCTGGACACC[G>A]GGCGCAGGAGGGCAGCACCAGAGGCCAGTGGCACTCCCAGCTCGGTGAGAGGGCTGGGAA-3'
Protein context (NP_009005.1, residues 403-423): ELRVNRGLDT[Gly413Arg]RRRAAPEASG